The following is an entry in ClinVar:

NM_001127178.3(PIGG):c.366_381del (p.Leu122fs)

Gene: PIGG (phosphatidylinositol glycan anchor biosynthesis class G (EMM blood group); plus strand). Cytogenetic location: 4p16.3.
Variant type: Deletion.
Coding change: c.366_381del on transcript NM_001127178.3 (MANE Select); coding-DNA positions 366 to 381, 16 bases deleted (GATGACGGGGAGCCTT).
Protein change: p.Leu122fs; shifts the reading frame from leucine 122.
Molecular consequence: frameshift variant. On other transcripts: initiator codon variant (1), 5 prime UTR variant (4), non-coding transcript variant (10), intron variant (1).
Genome position (GRCh38, 1-based): chr4:505,723-505,738, GATGACGGGGAGCCTT deleted; deleting any 16 consecutive bases within chr4:505,721-505,738 gives the same sequence; the c. name uses the placement nearest the transcript's 3' end. VCF-style (leftmost placement, unchanged base first): chr4-505720-ATTGATGACGGGGAGCC-A. GRCh37 (hg19) VCF-style: chr4-499509-ATTGATGACGGGGAGCC-A.
Other names: c.99_114del, p.Leu33fs (NM_001289051.2, NM_001289053.2, NM_001289057.2 and 2 more transcripts); c.-1_15del, p.Met1fs (NM_001289055.2); c.-522_-507del (NM_001345988.2); c.366_381del, p.Leu122fs (NM_001345989.2, NM_017733.5); c.-1260_-1245del (NM_001345990.2); c.-1122_-1107del (NM_001345991.2); c.-847_-832del (NM_001345994.2); c.361-3106_361-3091del (NM_001289052.2); short protein forms L122fs, M1fs, L33fs.
Identifiers: ClinVar variation 946332 (VCV000946332.9), dbSNP rs1719440437, ClinGen allele CA1139658392.
Genomic context (GRCh38, chr4:505,720, plus strand): 5'-CCTTTTCATGCTCCGGTTTTGGATTCAGTGGCCTAATTCTTGCATTTTCTGACTGCAGGC[ATTGATGACGGGGAGCC>A]TTCCTGGCTTTGTCGACGTCATCAGGAACCTCAATTCTCCTGCACTGCTGGAAGACAGTG-3'

ClinVar aggregate classification (germline): Pathogenic (1 of 4 stars; one submission).

Conditions:
Intellectual disability, autosomal recessive 53 (NEDHSCA). Also called: GLYCOSYLPHOSPHATIDYLINOSITOL BIOSYNTHESIS DEFECT 13; Mental retardation, autosomal recessive 53; NEURODEVELOPMENTAL DISORDER WITH OR WITHOUT HYPOTONIA, SEIZURES, AND CEREBELLAR ATROPHY. Identifiers: Orphanet 488635, MedGen C4310794, MONDO:0014832, OMIM 616917.

Submission:

Labcorp Genetics (formerly Invitae), Labcorp
Classification: Pathogenic for Intellectual disability, autosomal recessive 53. Last evaluated: 2022-07-26. Review status: criteria provided, single submitter. Criteria: Invitae Variant Classification Sherloc (09022015). Collection method: clinical testing. Allele origin: germline.
Comment: This sequence change creates a premature translational stop signal (p.Leu122Phefs*21) in the PIGG gene. It is expected to result in an absent or disrupted protein product. Loss-of-function variants in PIGG are known to be pathogenic (PMID: 26996948, 28581210, 28771251). This variant is not present in population databases (gnomAD no frequency). This variant has not been reported in the literature in individuals affected with PIGG-related conditions. ClinVar contains an entry for this variant (Variation ID: 946332). For these reasons, this variant has been classified as Pathogenic.

Literature cited by the submitters: PubMed 26996948; PubMed 28581210; PubMed 28771251.